The following is an entry in ClinVar:

NM_005535.3(IL12RB1):c.370G>C (p.Glu124Gln)

Gene: IL12RB1 (interleukin 12 receptor subunit beta 1; minus strand). Cytogenetic location: 19p13.11.
Variant type: single nucleotide variant.
Coding change: c.370G>C on transcript NM_005535.3 (MANE Select); coding-DNA position 370, G replaced by C.
Protein change: p.Glu124Gln; replaces glutamic acid 124 with glutamine.
Molecular consequence: missense variant.
Genome position (GRCh38, 1-based): chr19:18,080,871, C>G on the plus strand (G>C on the coding strand, the complement: IL12RB1 is on the minus strand). VCF-style: chr19-18080871-C-G. GRCh37 (hg19) VCF-style: chr19-18191681-C-G.
Other names: c.370G>C, p.Glu124Gln (NM_001290023.2, NM_153701.3); c.490G>C, p.Glu164Gln (NM_001290024.2); short protein forms E124Q, E164Q.
Identifiers: ClinVar variation 1465117 (VCV001465117.8), dbSNP rs772617080, ClinGen allele CA404789743.

ClinVar aggregate classification (germline): Uncertain significance (1 of 4 stars; one submission).

Conditions:
Mendelian susceptibility to mycobacterial diseases due to complete IL12RB1 deficiency. Also called: Immunodeficiency 30; IL12RB1 DEFICIENCY. Identifiers: Orphanet 319552, MedGen C4013949, MONDO:0013955, OMIM 614891.

gnomAD v4.1: 10 of 1,612,558 alleles (0.00062%); highest among the groups gnomAD compares: Non-Finnish European, 0.00076%; no homozygotes.

Submission:

Labcorp Genetics (formerly Invitae), Labcorp
Classification: Uncertain significance for Mendelian susceptibility to mycobacterial diseases due to complete IL12RB1 deficiency. Last evaluated: 2022-11-22. Review status: criteria provided, single submitter. Criteria: Invitae Variant Classification Sherloc (09022015). Collection method: clinical testing. Allele origin: germline.
Comment: This variant is not present in population databases (gnomAD no frequency). This sequence change replaces glutamic acid, which is acidic and polar, with glutamine, which is neutral and polar, at codon 124 of the IL12RB1 protein (p.Glu124Gln). This variant has not been reported in the literature in individuals affected with IL12RB1-related conditions. In summary, the available evidence is currently insufficient to determine the role of this variant in disease. Therefore, it has been classified as a Variant of Uncertain Significance. Advanced modeling of protein sequence and biophysical properties (such as structural, functional, and spatial information, amino acid conservation, physicochemical variation, residue mobility, and thermodynamic stability) performed at Invitae indicates that this missense variant is not expected to disrupt IL12RB1 protein function. ClinVar contains an entry for this variant (Variation ID: 1465117).